The following is an entry in ClinVar:

ClinVar aggregate classification (germline): Likely pathogenic (1 of 4 stars; one submission).

Submission:

Labcorp Genetics (formerly Invitae), Labcorp
Classification: Likely pathogenic. Last evaluated: 2022-06-13. Review status: criteria provided, single submitter. Criteria: Invitae Variant Classification Sherloc (09022015). Collection method: clinical testing. Allele origin: germline.
Comment: This sequence change affects a donor splice site in intron 32 of the CACNA1F gene. It is expected to disrupt RNA splicing. Variants that disrupt the donor or acceptor splice site typically lead to a loss of protein function (PMID: 16199547), and loss-of-function variants in CACNA1F are known to be pathogenic (PMID: 9662399, 11281458, 17525176, 22194652, 24124559, 26992781). This variant is not present in population databases (gnomAD no frequency). This variant has not been reported in the literature in individuals affected with CACNA1F-related conditions. Algorithms developed to predict the effect of sequence changes on RNA splicing suggest that this variant may disrupt the consensus splice site. In summary, the currently available evidence indicates that the variant is pathogenic, but additional data are needed to prove that conclusively. Therefore, this variant has been classified as Likely Pathogenic.

Literature cited by the submitters: PubMed 16199547; PubMed 9662399; PubMed 11281458; PubMed 17525176; PubMed 22194652; PubMed 24124559; PubMed 26992781.

NM_001256789.3(CACNA1F):c.3813+2T>C

Gene: CACNA1F (calcium voltage-gated channel subunit alpha1 F; minus strand). Cytogenetic location: Xp11.23.
Variant type: single nucleotide variant.
Coding change: c.3813+2T>C on transcript NM_001256789.3 (MANE Select); the canonical splice donor site of the intron after coding-DNA position 3813, T replaced by C.
Molecular consequence: splice donor variant.
Genome position (GRCh38, 1-based): chrX:49,212,972, A>G on the plus strand (T>C on the coding strand, the complement: CACNA1F is on the minus strand). VCF-style: chrX-49212972-A-G. GRCh37 (hg19) VCF-style: chrX-49069432-A-G.
Other names: c.3846+2T>C (NM_005183.4); c.3651+2T>C (NM_001256790.3).
Identifiers: ClinVar variation 1480246 (VCV001480246.6), dbSNP rs971641043, ClinGen allele CA329138785.